The following is an entry in ClinVar:

NM_000271.5(NPC1):c.47G>A (p.Cys16Tyr)

Gene: NPC1 (NPC intracellular cholesterol transporter 1; minus strand). Cytogenetic location: 18q11.2.
Variant type: single nucleotide variant.
Coding change: c.47G>A on transcript NM_000271.5 (MANE Select); coding-DNA position 47, G replaced by A.
Protein change: p.Cys16Tyr; replaces cysteine 16 with tyrosine.
Molecular consequence: missense variant.
Genome position (GRCh38, 1-based): chr18:23,586,297, C>T on the plus strand (G>A on the coding strand, the complement: NPC1 is on the minus strand). VCF-style: chr18-23586297-C-T. GRCh37 (hg19) VCF-style: chr18-21166261-C-T.
Other names: short protein forms C16Y.
Identifiers: ClinVar variation 1448949 (VCV001448949.5), dbSNP rs1407142143, ClinGen allele CA402041486.

ClinVar aggregate classification (germline): Uncertain significance (1 of 4 stars; one submission).

Conditions:
Niemann-Pick disease, type C1. Also called: NIEMANN-PICK DISEASE, VARIANT TYPE C1; NEUROVISCERAL STORAGE DISEASE WITH VERTICAL SUPRANUCLEAR OPHTHALMOPLEGIA; NIEMANN-PICK DISEASE WITH CHOLESTEROL ESTERIFICATION BLOCK; NIEMANN-PICK DISEASE WITHOUT SPHINGOMYELINASE DEFICIENCY; NIEMANN-PICK DISEASE, CHRONIC NEURONOPATHIC FORM. Identifiers: Orphanet 646, MedGen C3179455, MONDO:0009757, OMIM 257220.

Allele frequency attached by ClinVar (database versions not stated): gnomAD exomes below 0.00001 and 0.00002.
gnomAD v4.1: 5 of 1,533,872 alleles (0.00033%); highest among the groups gnomAD compares: Admixed American, 0.0059%; no homozygotes.

Submission:

Labcorp Genetics (formerly Invitae), Labcorp
Classification: Uncertain significance for Niemann-Pick disease, type C1. Last evaluated: 2021-09-17. Review status: criteria provided, single submitter. Criteria: Invitae Variant Classification Sherloc (09022015). Collection method: clinical testing. Allele origin: germline.
Comment: This sequence change replaces cysteine with tyrosine at codon 16 of the NPC1 protein (p.Cys16Tyr). The cysteine residue is weakly conserved and there is a large physicochemical difference between cysteine and tyrosine. The frequency data for this variant in the population databases is considered unreliable, as metrics indicate insufficient coverage at this position in the ExAC database. This variant has not been reported in the literature in individuals with NPC1-related conditions. Advanced modeling of protein sequence and biophysical properties (such as structural, functional, and spatial information, amino acid conservation, physicochemical variation, residue mobility, and thermodynamic stability) performed at Invitae indicates that this missense variant is not expected to disrupt NPC1 protein function. In summary, the available evidence is currently insufficient to determine the role of this variant in disease. Therefore, it has been classified as a Variant of Uncertain Significance.